The following is an entry in ClinVar:

ClinVar aggregate classification (germline): Benign/Likely benign. Review status: criteria provided, multiple submitters, no conflicts (2 of 4 stars). 8 submissions from 8 submitters: Benign (1); Likely benign (5). 2 of the submissions do not count toward it. Last evaluated 2026-01-26.

Conditions:
Intestinal hypomagnesemia 1. Also called: HYPOMAGNESEMIA, INTESTINAL, WITH SECONDARY HYPOCALCEMIA; HYPOMAGNESEMIC TETANY. Identifiers: Orphanet 30924, MedGen C1865974, MONDO:0011176, OMIM 602014.

Allele frequency attached by ClinVar (database versions not stated): 1000 Genomes Project 30x 0.00156; 1000 Genomes Project 0.00160; gnomAD 0.00239 and 0.00259; gnomAD exomes 0.00255; ExAC 0.00260; ESP Exome Variant Server 0.00277; TOPMed 0.00329.
gnomAD v4.1: 5,426 of 1,614,064 alleles (0.34%); highest among the groups gnomAD compares: Middle Eastern, 0.82%; 17 homozygotes.

Submissions (8):

Labcorp Genetics (formerly Invitae), Labcorp
Classification: Benign. Last evaluated: 2026-01-26. Review status: criteria provided, single submitter. Criteria: Invitae Variant Classification Sherloc (09022015). Collection method: clinical testing. Allele origin: germline.

Blueprint Genetics
Classification: Likely benign. Last evaluated: 2024-11-26. Review status: criteria provided, single submitter. Criteria: ACMG Guidelines, 2015. Collection method: clinical testing. Allele origin: germline.

CeGaT Center for Human Genetics Tuebingen
Classification: Likely benign. Last evaluated: 2022-11-01. Review status: criteria provided, single submitter. Criteria: CeGaT Center For Human Genetics Tuebingen Variant Classification Criteria Version 2. Collection method: clinical testing. Allele origin: germline. Affected: yes. Observed: 2 variant alleles.
Comment: TRPM6: BP4, BP7

Fulgent Genetics
Classification: Likely benign for Intestinal hypomagnesemia 1. Last evaluated: 2021-07-26. Review status: criteria provided, single submitter. Criteria: ACMG Guidelines, 2015. Collection method: clinical testing. Allele origin: unknown.

Illumina Laboratory Services, Illumina
Classification: Likely benign for Intestinal hypomagnesemia 1. Last evaluated: 2018-01-12. Review status: criteria provided, single submitter. Criteria: ICSL Variant Classification Criteria 13 December 2019. Collection method: clinical testing. Allele origin: germline.
Comment: This variant was observed in the ICSL laboratory as part of a predisposition screen in an ostensibly healthy population. It had not been previously curated by ICSL or reported in the Human Gene Mutation Database (HGMD: prior to June 1st, 2018), and was therefore a candidate for classification through an automated scoring system. Utilizing variant allele frequency, disease prevalence and penetrance estimates, and inheritance mode, an automated score was calculated to assess if this variant is too frequent to cause the disease. Based on the score and internal cut-off values, a variant classified as likely benign is not then subjected to further curation. The score for this variant resulted in a classification of likely benign for this disease.

Breakthrough Genomics
Classification: Likely benign. Review status: criteria provided, single submitter. Criteria: ACMG Guidelines, 2015. Collection method: not provided. Allele origin: germline. Inheritance: Autosomal recessive inheritance. Affected: yes.

Clinical Genetics DNA and cytogenetics Diagnostics Lab, Erasmus MC, Erasmus Medical Center
Classification: Likely benign. Review status: no assertion criteria provided. Collection method: clinical testing. Allele origin: germline. Affected: yes. Study: VKGL Data-share Consensus. Not counted in ClinVar's aggregate classification.

Genome Diagnostics Laboratory, University Medical Center Utrecht
Classification: Likely benign. Review status: no assertion criteria provided. Collection method: clinical testing. Allele origin: germline. Affected: yes. Study: VKGL Data-share Consensus. Not counted in ClinVar's aggregate classification.

NM_017662.5(TRPM6):c.633T>C (p.Gly211=)

Gene: TRPM6 (transient receptor potential cation channel subfamily M member 6; minus strand). Cytogenetic location: 9q21.13.
Variant type: single nucleotide variant.
Coding change: c.633T>C on transcript NM_017662.5 (MANE Select); coding-DNA position 633, T replaced by C.
Protein change: p.Gly211=; no amino-acid change (glycine 211 retained).
Molecular consequence: synonymous variant.
Genome position (GRCh38, 1-based): chr9:74,834,034, A>G on the plus strand (T>C on the coding strand, the complement: TRPM6 is on the minus strand). VCF-style: chr9-74834034-A-G. GRCh37 (hg19) VCF-style: chr9-77448950-A-G.
Other names: c.618T>C, p.Gly206= (NM_001177310.2, NM_001177311.2).
Identifiers: ClinVar variation 788064 (VCV000788064.42), dbSNP rs144221623, ClinGen allele CA5085102.
Genomic context (GRCh38, chr9:74,834,034, plus strand): 5'-GTTATGAAAGGATTGTCTACTTACATCTTTTCCAATAAGGTCTCTCTGGTTCTCAATGAC[A>G]CCCCAAGGAGGGATTCCAACTGTCCAGATTTTTCTCAAGGAATGAGAGGAATGGGATTTC-3'
Protein context (NP_060132.3, residues 201-221): KIWTVGIPPW[Gly211=]VIENQRDLIG